The following is an entry in ClinVar:

NM_002471.4(MYH6):c.2858A>G (p.Lys953Arg)

Gene: MYH6 (myosin heavy chain 6; minus strand). Cytogenetic location: 14q11.2.
Variant type: single nucleotide variant.
Coding change: c.2858A>G on transcript NM_002471.4 (MANE Select); coding-DNA position 2858, A replaced by G.
Protein change: p.Lys953Arg; replaces lysine 953 with arginine.
Molecular consequence: missense variant.
Genome position (GRCh38, 1-based): chr14:23,393,736, T>C on the plus strand (A>G on the coding strand, the complement: MYH6 is on the minus strand). VCF-style: chr14-23393736-T-C. GRCh37 (hg19) VCF-style: chr14-23862945-T-C.
Other names: short protein forms K953R.
Identifiers: ClinVar variation 3694562 (VCV003694562.2).

ClinVar aggregate classification (germline): Uncertain significance (1 of 4 stars; one submission).

Conditions:
Hypertrophic cardiomyopathy 14. Identifiers: MedGen C2750467, MONDO:0013197, OMIM 613251.

Submission:

Labcorp Genetics (formerly Invitae), Labcorp
Classification: Uncertain significance for Hypertrophic cardiomyopathy 14. Last evaluated: 2025-06-12. Review status: criteria provided, single submitter. Criteria: Invitae Variant Classification Sherloc (09022015). Collection method: clinical testing. Allele origin: germline.
Comment: This sequence change replaces lysine, which is basic and polar, with arginine, which is basic and polar, at codon 953 of the MYH6 protein (p.Lys953Arg). This variant is not present in population databases (gnomAD no frequency). This variant has not been reported in the literature in individuals affected with MYH6-related conditions. ClinVar contains an entry for this variant (Variation ID: 3694562). Invitae Evidence Modeling of protein sequence and biophysical properties (such as structural, functional, and spatial information, amino acid conservation, physicochemical variation, residue mobility, and thermodynamic stability) has been performed for this missense variant. However, the output from this modeling did not meet the statistical confidence thresholds required to predict the impact of this variant on MYH6 protein function. In summary, the available evidence is currently insufficient to determine the role of this variant in disease. Therefore, it has been classified as a Variant of Uncertain Significance.